The following is an entry in ClinVar:

ClinVar aggregate classification (germline): Uncertain significance (1 of 4 stars; one submission).

Conditions:
Familial cold autoinflammatory syndrome 2 (FCAS2). Identifiers: Orphanet 247868, MedGen C2673198, MONDO:0012724, OMIM 611762.

Submission:

Labcorp Genetics (formerly Invitae), Labcorp
Classification: Uncertain significance for Familial cold autoinflammatory syndrome 2. Last evaluated: 2024-10-22. Review status: criteria provided, single submitter. Criteria: Invitae Variant Classification Sherloc (09022015). Collection method: clinical testing. Allele origin: germline.
Comment: This sequence change creates a premature translational stop signal (p.Gly89Thrfs*103) in the NLRP12 gene. It is expected to result in an absent or disrupted protein product. However, the current clinical and genetic evidence is not sufficient to establish whether loss-of-function variants in NLRP12 cause disease. This variant is not present in population databases (gnomAD no frequency). This variant has not been reported in the literature in individuals affected with NLRP12-related conditions. In summary, the available evidence is currently insufficient to determine the role of this variant in disease. Therefore, it has been classified as a Variant of Uncertain Significance.

NM_144687.4(NLRP12):c.264_265del (p.Gly89fs)

Gene: NLRP12 (NLR family pyrin domain containing 12; minus strand). Cytogenetic location: 19q13.42.
Variant type: Microsatellite.
Coding change: c.264_265del on transcript NM_144687.4 (MANE Select); coding-DNA positions 264 to 265, 2 bases deleted (AG; older notation c.264_265delAG).
Protein change: p.Gly89fs; shifts the reading frame from glycine 89.
Molecular consequence: frameshift variant.
Genome position (GRCh38, 1-based): chr19:53,823,910-53,823,911, CT deleted on the plus strand (AG on the coding strand, the reverse complement: NLRP12 is on the minus strand); deleting any 2 consecutive bases within chr19:53,823,910-53,823,916 gives the same sequence; the c. name uses the placement nearest the transcript's 3' end. VCF-style (leftmost placement, unchanged base first): chr19-53823909-CCT-C. GRCh37 (hg19) VCF-style: chr19-54327163-CCT-C.
Other names: c.264_265del, p.Gly89fs (NM_001277126.2, NM_001277129.1); short protein forms G89fs.
Identifiers: ClinVar variation 3680882 (VCV003680882.2).
Genomic context (GRCh38, chr19:53,823,909, plus strand): 5'-TGGCATTCTAGCCTTGCCTGTCCCGCCACCTCCTTACCCCTCACCAGGTCCTCTCTCTGT[CCT>C]CTCTCCCACAGGTCCTTCCTGTTTATCCGCTCAAAGGTGCTGAGAGCCAACCTCCAGGCC-3'